The following is an entry in ClinVar:

ClinVar aggregate classification (germline): Pathogenic (1 of 4 stars; one submission).

Conditions:
Familial adenomatous polyposis 1 (FAP1). Also called: FAMILIAL ADENOMATOUS POLYPOSIS 1, ATTENUATED; POLYPOSIS, ADENOMATOUS INTESTINAL. Identifiers: MedGen C2713442, MONDO:0021056, OMIM 175100. Disease mechanism: loss of function.

Submission:

Labcorp Genetics (formerly Invitae), Labcorp
Classification: Pathogenic for Familial adenomatous polyposis 1. Last evaluated: 2023-04-19. Review status: criteria provided, single submitter. Criteria: Invitae Variant Classification Sherloc (09022015). Collection method: clinical testing. Allele origin: germline.
Comment: This variant has not been reported in the literature in individuals affected with APC-related conditions. This variant is expected to disrupt the EB1 and HDLG binding sites, which mediate interactions with the cytoskeleton (PMID: 15311282, 17293347). While functional studies have not been performed to directly test the effect on APC protein function, this suggests that disruption of the C-terminal portion of the protein is functionally important. For these reasons, this variant has been classified as Pathogenic. A different truncation (p.Tyr2645Lysfs*14) that lies downstream of this variant has been determined to be pathogenic (PMID: 9824584, 1316610, 27081525, 8381579, 22135120, Invitae). This suggests that deletion of this region of the APC protein is causative of disease. This variant is not present in population databases (gnomAD no frequency). This sequence change creates a premature translational stop signal (p.Val1352Leufs*63) in the APC gene. While this is not anticipated to result in nonsense mediated decay, it is expected to disrupt the last 1492 amino acid(s) of the APC protein.

Literature cited by the submitters: PubMed 15311282; PubMed 17293347; PubMed 9824584; PubMed 1316610; PubMed 27081525; PubMed 8381579; PubMed 22135120.

NM_000038.6(APC):c.4053del (p.Val1352fs)

Gene: APC (APC regulator of Wnt signaling pathway; plus strand). Cytogenetic location: 5q22.2.
Variant type: Deletion.
Coding change: c.4053del on transcript NM_000038.6 (MANE Select); coding-DNA position 4053, one base deleted (T; older notation c.4053delT).
Protein change: p.Val1352fs; shifts the reading frame from valine 1352.
Molecular consequence: frameshift variant. On other transcripts: non-coding transcript variant (2).
Genome position (GRCh38, 1-based): chr5:112,839,647, T deleted. VCF-style (leftmost placement, unchanged base first): chr5-112839646-CT-C. GRCh37 (hg19) VCF-style: chr5-112175343-CT-C.
Other names: c.4053del, p.Val1352fs (NM_001127510.3, NM_001354895.2, NM_001407450.1); c.3999del, p.Val1334fs (NM_001127511.3); c.4107del, p.Val1370fs (NM_001354896.2, NM_001407447.1, NM_001407448.1 and 1 more transcripts); c.4083del, p.Val1362fs (NM_001354897.2); c.3978del, p.Val1327fs (NM_001354898.2); c.3969del, p.Val1324fs (NM_001354899.2); c.3930del, p.Val1311fs (NM_001354900.2); c.3876del, p.Val1293fs (NM_001354901.2, NM_001407453.1); and 11 more; short protein forms V1223fs, V1311fs, V1334fs, V1342fs, V1069fs, V1251fs, V1293fs, V1327fs.
Identifiers: ClinVar variation 2857515 (VCV002857515.3), dbSNP rs2533544723, ClinGen allele CA2739273274.